The following is an entry in ClinVar:

NM_000384.3(APOB):c.5579A>G (p.Gln1860Arg)

Gene: APOB (apolipoprotein B; minus strand). Cytogenetic location: 2p24.1.
Variant type: single nucleotide variant.
Coding change: c.5579A>G on transcript NM_000384.3 (MANE Select); coding-DNA position 5579, A replaced by G.
Protein change: p.Gln1860Arg; replaces glutamine 1860 with arginine.
Molecular consequence: missense variant.
Genome position (GRCh38, 1-based): chr2:21,011,289, T>C on the plus strand (A>G on the coding strand, the complement: APOB is on the minus strand). VCF-style: chr2-21011289-T-C. GRCh37 (hg19) VCF-style: chr2-21234161-T-C.
Other names: short protein forms Q1860R.
Identifiers: ClinVar variation 1748400 (VCV001748400.2), dbSNP rs2465374354, ClinGen allele CA346004421.

ClinVar aggregate classification (germline): Uncertain significance (1 of 4 stars; one submission).

Conditions:
Cardiovascular phenotype. Identifiers: MedGen CN230736.

Submission:

Ambry Genetics
Classification: Uncertain significance for Cardiovascular phenotype. Last evaluated: 2022-07-10. Review status: criteria provided, single submitter. Criteria: Ambry Variant Classification Scheme 2023. Collection method: clinical testing. Allele origin: germline.
Comment: The p.Q1860R variant (also known as c.5579A>G), located in coding exon 26 of the APOB gene, results from an A to G substitution at nucleotide position 5579. The glutamine at codon 1860 is replaced by arginine, an amino acid with highly similar properties. This amino acid position is conserved. In addition, this alteration is predicted to be tolerated by in silico analysis. Since supporting evidence is limited at this time, the clinical significance of this alteration remains unclear.